The following is an entry in ClinVar:

NM_001267550.2(TTN):c.106753G>A (p.Glu35585Lys)

Genes: TTN-AS1 (TTN antisense RNA 1; plus strand), TTN (titin; minus strand). Cytogenetic location: 2q31.2.
Variant type: single nucleotide variant.
Coding change: c.106753G>A on transcript NM_001267550.2 (MANE Select); coding-DNA position 106753, G replaced by A.
Protein change: p.Glu35585Lys; replaces glutamic acid 35585 with lysine.
Molecular consequence: missense variant.
Genome position (GRCh38, 1-based): chr2:178,528,998, C>T on the plus strand (G>A on the coding strand, the complement: TTN is on the minus strand). VCF-style: chr2-178528998-C-T. GRCh37 (hg19) VCF-style: chr2-179393725-C-T.
Other names: c.101830G>A, p.Glu33944Lys (NM_001256850.1); c.79558G>A, p.Glu26520Lys (NM_003319.4); c.99049G>A, p.Glu33017Lys (NM_133378.4); c.79933G>A, p.Glu26645Lys (NM_133432.3); c.80134G>A, p.Glu26712Lys (NM_133437.4); short protein forms E26520K, E26645K, E26712K, E33017K, E33944K, E35585K.
Identifiers: ClinVar variation 3763182 (VCV003763182.2).
Genomic context (GRCh38, chr2:178,528,998, plus strand): 5'-TTCTGACTTCTTCTGATGCCTGTGATGTTTTAGTGATTTCCTCATGGACAATGGATTTTT[C>T]CAGGGAGGTTGCTGCTGATTTCTTGACTTCTTCAGAAATCAGAACCTTTGAAGCTTCCTC-3'
Protein context (NP_001254479.2, residues 35575-35595): EVKKSAATSL[Glu35585Lys]KSIVHEEITK

ClinVar aggregate classification (germline): Uncertain significance (1 of 4 stars; one submission).

Conditions:
Autosomal recessive limb-girdle muscular dystrophy type 2J (LGMDR10). Also called: Limb-girdle muscular dystrophy, type 2J; MUSCULAR DYSTROPHY, LIMB-GIRDLE, AUTOSOMAL RECESSIVE 10. Identifiers: Orphanet 140922, MedGen C1837342, MONDO:0012127, OMIM 608807.
Dilated cardiomyopathy 1G (CMD1G). Identifiers: Orphanet 154, MedGen C1858763, MONDO:0011400, OMIM 604145.

gnomAD v4.1: 5 of 1,613,944 alleles (0.00031%); highest among the groups gnomAD compares: East Asian, 0.0022%; no homozygotes.

Submission:

Labcorp Genetics (formerly Invitae), Labcorp
Classification: Uncertain significance for Dilated cardiomyopathy 1G; Autosomal recessive limb-girdle muscular dystrophy type 2J. Last evaluated: 2024-02-17. Review status: criteria provided, single submitter. Criteria: Invitae Variant Classification Sherloc (09022015). Collection method: clinical testing. Allele origin: germline.
Comment: This sequence change replaces glutamic acid, which is acidic and polar, with lysine, which is basic and polar, at codon 35585 of the TTN protein (p.Glu35585Lys). This variant is not present in population databases (gnomAD no frequency). This variant has not been reported in the literature in individuals affected with TTN-related conditions. Experimental studies and prediction algorithms are not available or were not evaluated, and the functional significance of this variant is currently unknown. This variant is located in the M band of TTN (PMID: 25589632). Non-truncating variants in this region may be relevant for neuromuscular disorders, but have not been definitively shown to cause cardiomyopathy (PMID: 23975875). In summary, the available evidence is currently insufficient to determine the role of this variant in disease. Therefore, it has been classified as a Variant of Uncertain Significance.

Literature cited by the submitters: PubMed 25589632; PubMed 23975875.